The following is an entry in ClinVar:

ClinVar aggregate classification (germline): Uncertain significance. Review status: criteria provided, multiple submitters, no conflicts (2 of 4 stars). 4 submissions from 4 submitters: Uncertain significance (3). 1 of the submissions does not count toward it. Last evaluated 2024-04-11.

Conditions:
Dyskeratosis congenita, autosomal recessive 5 (DKCB5). Identifiers: MedGen C3554656, MONDO:0014076, OMIM 615190.
Pulmonary fibrosis and/or bone marrow failure, Telomere-related, 3. Also called: PULMONARY FIBROSIS AND/OR BONE MARROW FAILURE SYNDROME, TELOMERE-RELATED, 3. Identifiers: Orphanet 2032, MedGen C4225346, MONDO:0014613, OMIM 616373.
RTEL1-related disorder. Also called: RTEL1-related condition; RTEL1-related disorders.
Inborn genetic diseases. Identifiers: MedGen C0950123, MeSH D030342.

Allele frequency attached by ClinVar (database versions not stated): ESP Exome Variant Server 0.00008.
gnomAD v4.1: 17 of 1,611,912 alleles (0.0011%); highest among the groups gnomAD compares: East Asian, 0.036%; no homozygotes.

Submissions (4):

Labcorp Genetics (formerly Invitae), Labcorp
Classification: Uncertain significance for Dyskeratosis congenita, autosomal recessive 5; Pulmonary fibrosis and/or bone marrow failure, Telomere-related, 3. Last evaluated: 2024-04-11. Review status: criteria provided, single submitter. Criteria: Invitae Variant Classification Sherloc (09022015). Collection method: clinical testing. Allele origin: germline.
Comment: This sequence change replaces proline, which is neutral and non-polar, with serine, which is neutral and polar, at codon 344 of the RTEL1 protein (p.Pro344Ser). This variant is present in population databases (rs147789792, gnomAD 0.04%). This variant has not been reported in the literature in individuals affected with RTEL1-related conditions. ClinVar contains an entry for this variant (Variation ID: 1410621). An algorithm developed to predict the effect of missense changes on protein structure and function (PolyPhen-2) suggests that this variant is likely to be disruptive. In summary, the available evidence is currently insufficient to determine the role of this variant in disease. Therefore, it has been classified as a Variant of Uncertain Significance.

Fulgent Genetics
Classification: Uncertain significance for Dyskeratosis congenita, autosomal recessive 5; Pulmonary fibrosis and/or bone marrow failure, Telomere-related, 3. Last evaluated: 2024-04-10. Review status: criteria provided, single submitter. Criteria: ACMG Guidelines, 2015. Collection method: clinical testing. Allele origin: germline.

Ambry Genetics
Classification: Uncertain significance for Inborn genetic diseases. Last evaluated: 2023-09-13. Review status: criteria provided, single submitter. Criteria: Ambry Variant Classification Scheme 2023. Collection method: clinical testing. Allele origin: germline.

PreventionGenetics, part of Exact Sciences
Classification: Uncertain significance for RTEL1-related condition. Last evaluated: 2024-09-27. Review status: no assertion criteria provided. Collection method: clinical testing. Allele origin: germline. Not counted in ClinVar's aggregate classification.
Comment: The RTEL1 c.1102C>T variant is predicted to result in the amino acid substitution p.Pro368Ser. To our knowledge, this variant has not been reported in the literature. This variant is reported in 0.038% of alleles in individuals of East Asian descent in gnomAD. At this time, the clinical significance of this variant is uncertain due to the absence of conclusive functional and genetic evidence.

NM_001283009.2(RTEL1):c.1030C>T (p.Pro344Ser)

Genes: RTEL1 (regulator of telomere elongation helicase 1; plus strand), RTEL1-TNFRSF6B (RTEL1-TNFRSF6B readthrough (NMD candidate); plus strand). Cytogenetic location: 20q13.33.
Variant type: single nucleotide variant.
Coding change: c.1030C>T on transcript NM_001283009.2 (MANE Select); coding-DNA position 1030, C replaced by T.
Protein change: p.Pro344Ser; replaces proline 344 with serine.
Molecular consequence: missense variant. On other transcripts: non-coding transcript variant (1).
Genome position (GRCh38, 1-based): chr20:63,678,339, C>T. VCF-style: chr20-63678339-C-T. GRCh37 (hg19) VCF-style: chr20-62309692-C-T.
Other names: c.361C>T, p.Pro121Ser (NM_001283010.1); c.1030C>T, p.Pro344Ser (NM_016434.4); c.1102C>T, p.Pro368Ser (NM_032957.5); c.1102C>T (NM_032957.4); short protein forms P344S, P121S, P368S.
Identifiers: ClinVar variation 1410621 (VCV001410621.9), dbSNP rs147789792, ClinGen allele CA9964565.